The following is an entry in ClinVar:

ClinVar aggregate classification (germline): Uncertain significance (1 of 4 stars; one submission).

Conditions:
Charcot-Marie-Tooth disease type 2E (CMT2E). Also called: CHARCOT-MARIE-TOOTH NEUROPATHY, TYPE 2E; CHARCOT-MARIE-TOOTH DISEASE, AXONAL, TYPE 2E. Identifiers: Orphanet 99939, MedGen C1843225, MONDO:0011894, OMIM 607684.

Submission:

Labcorp Genetics (formerly Invitae), Labcorp
Classification: Uncertain significance for Charcot-Marie-Tooth disease type 2E. Last evaluated: 2019-07-29. Review status: criteria provided, single submitter. Criteria: Invitae Variant Classification Sherloc (09022015). Collection method: clinical testing. Allele origin: germline.
Comment: This variant has not been reported in the literature in individuals with NEFL-related disease. This variant is not present in population databases (ExAC no frequency). This variant, c.990_1013dup, results in the duplication of 8 amino acids of the NEFL protein (p.Glu330_Glu337dup), but otherwise preserves the integrity of the reading frame. Experimental studies and prediction algorithms are not available for this variant, and the functional significance of the affected amino acids is currently unknown. In summary, the available evidence is currently insufficient to determine the role of this variant in disease. Therefore, it has been classified as a Variant of Uncertain Significance.

NM_006158.5(NEFL):c.990_1013dup (p.Glu330_Glu337dup)

Gene: NEFL (neurofilament light chain; minus strand). Cytogenetic location: 8p21.2.
Variant type: Duplication.
Coding change: c.990_1013dup on transcript NM_006158.5 (MANE Select); coding-DNA positions 990 to 1013, 24 bases duplicated (GAAGCAGCTGCAGGAGCTGGAGGA).
Protein change: p.Glu330_Glu337dup.
Molecular consequence: inframe insertion.
Genome position (GRCh38, 1-based): chr8:24,955,503-24,955,526, TCCTCCAGCTCCTGCAGCTGCTTC duplicated on the plus strand (GAAGCAGCTGCAGGAGCTGGAGGA on the coding strand, the reverse complement: NEFL is on the minus strand); duplicating any 24 consecutive bases within chr8:24,955,503-24,955,529 gives the same sequence; the c. name uses the placement nearest the transcript's 3' end. VCF-style (leftmost placement, unchanged base first): chr8-24955502-G-GTCCTCCAGCTCCTGCAGCTGCTTC. GRCh37 (hg19) VCF-style: chr8-24813016-G-GTCCTCCAGCTCCTGCAGCTGCTTC.
Identifiers: ClinVar variation 651363 (VCV000651363.6), dbSNP rs1586127947, ClinGen allele CA915945625.